The following is an entry in ClinVar:

ClinVar aggregate classification (germline): Likely pathogenic. Review status: criteria provided, multiple submitters, no conflicts (2 of 4 stars). 3 submissions from 3 submitters: Likely pathogenic (3). Last evaluated 2023-11-07.

Conditions:
Ataxia-telangiectasia-like disorder (ATLD). Identifiers: MedGen C1858391, MONDO:0011457.
Hereditary cancer-predisposing syndrome. Also called: Neoplastic Syndromes, Hereditary; Hereditary neoplastic syndrome; Tumor predisposition; Hereditary Cancer Syndrome. Identifiers: Orphanet 140162, MedGen C0027672, MeSH D009386, MONDO:0015356.
Ataxia-telangiectasia-like disorder 1 (ATLD1). Identifiers: Orphanet 251347, MedGen C4012790, MONDO:0024557, OMIM 604391.

Submissions (3):

Baylor Genetics
Classification: Likely pathogenic for Ataxia-telangiectasia-like disorder 1. Last evaluated: 2023-11-07. Review status: criteria provided, single submitter. Criteria: ACMG Guidelines, 2015. Collection method: clinical testing. Allele origin: unknown.

Labcorp Genetics (formerly Invitae), Labcorp
Classification: Likely pathogenic for Ataxia-telangiectasia-like disorder. Last evaluated: 2023-07-07. Review status: criteria provided, single submitter. Criteria: Invitae Variant Classification Sherloc (09022015). Collection method: clinical testing. Allele origin: germline.
Comment: This variant is not present in population databases (gnomAD no frequency). In summary, the currently available evidence indicates that the variant is pathogenic, but additional data are needed to prove that conclusively. Therefore, this variant has been classified as Likely Pathogenic. Algorithms developed to predict the effect of sequence changes on RNA splicing suggest that this variant may disrupt the consensus splice site. ClinVar contains an entry for this variant (Variation ID: 240184). This variant has not been reported in the literature in individuals affected with MRE11-related conditions. This sequence change affects an acceptor splice site in intron 12 of the MRE11 gene. It is expected to disrupt RNA splicing. Variants that disrupt the donor or acceptor splice site typically lead to a loss of protein function (PMID: 16199547), and loss-of-function variants in MRE11 are known to be pathogenic (PMID: 23080121, 23912341).

Ambry Genetics
Classification: Likely pathogenic for Hereditary cancer-predisposing syndrome. Last evaluated: 2020-05-19. Review status: criteria provided, single submitter. Criteria: Ambry Variant Classification Scheme 2023. Collection method: clinical testing. Allele origin: germline.
Comment: The c.1327-2A>G intronic variant results from an A to G substitution two nucleotides upstream from coding exon 12 in the MRE11A gene. This nucleotide position is highly conserved in available vertebrate species. Using the BDGP and ESEfinder splice site prediction tools, this alteration is predicted to abolish the native splice acceptor site; however, direct evidence is unavailable. Alterations that disrupt the canonical splice site are expected to cause aberrant splicing, resulting in an abnormal protein or a transcript that is subject to nonsense-mediated mRNA decay. As such, this alteration is classified as likely pathogenic.

Literature cited by the submitters: PubMed 16199547 (cited by Labcorp Genetics (formerly Invitae), Labcorp); PubMed 23080121 (cited by Labcorp Genetics (formerly Invitae), Labcorp); PubMed 23912341 (cited by Labcorp Genetics (formerly Invitae), Labcorp).

NM_005591.4(MRE11):c.1327-2A>G

Gene: MRE11 (MRE11 double strand break repair nuclease; minus strand). Cytogenetic location: 11q21.
Variant type: single nucleotide variant.
Coding change: c.1327-2A>G on transcript NM_005591.4 (MANE Select); the canonical splice acceptor site of the intron before coding-DNA position 1327, A replaced by G.
Molecular consequence: splice acceptor variant.
Genome position (GRCh38, 1-based): chr11:94,459,583, T>C on the plus strand (A>G on the coding strand, the complement: MRE11 is on the minus strand). VCF-style: chr11-94459583-T-C. GRCh37 (hg19) VCF-style: chr11-94192749-T-C.
Other names: c.1327-2A>G (NM_001330347.2, NM_005590.4).
Identifiers: ClinVar variation 240184 (VCV000240184.11), dbSNP rs878854776, ClinGen allele CA10582949.